The following is an entry in ClinVar:

ClinVar aggregate classification (germline): Uncertain significance. Review status: criteria provided, single submitter (1 of 4 stars). 2 submissions from 2 submitters: Uncertain significance (1). 1 of the submissions does not count toward it. Last evaluated 2024-08-08.

Conditions:
Familial focal epilepsy with variable foci (FPEVF). Identifiers: Orphanet 98820, MedGen C1858477, MONDO:0020310.
Epilepsy, familial focal, with variable foci 1 (FFEVF1). Also called: DEPDC5-Related Epilepsy. Identifiers: MedGen C4551983, MONDO:0024556, OMIM 604364.

Allele frequency attached by ClinVar (database versions not stated): gnomAD exomes 0.00001.
gnomAD v4.1: 12 of 1,610,292 alleles (0.00075%); highest among the groups gnomAD compares: Non-Finnish European, 0.001%; no homozygotes.

Submissions (2):

Labcorp Genetics (formerly Invitae), Labcorp
Classification: Uncertain significance for Familial focal epilepsy with variable foci. Last evaluated: 2024-08-08. Review status: criteria provided, single submitter. Criteria: Invitae Variant Classification Sherloc (09022015). Collection method: clinical testing. Allele origin: germline.
Comment: This sequence change replaces histidine, which is basic and polar, with aspartic acid, which is acidic and polar, at codon 214 of the DEPDC5 protein (p.His214Asp). This variant is not present in population databases (gnomAD no frequency). This missense change has been observed in individual(s) with nocturnal frontal lobe epilepsy (PMID: 26505888). ClinVar contains an entry for this variant (Variation ID: 264751). Algorithms developed to predict the effect of variants on gene product structure and function are not available or were not evaluated for this variant. Experimental studies have shown that this missense change does not substantially affect DEPDC5 function (PMID: 31639411). In summary, the available evidence is currently insufficient to determine the role of this variant in disease. Therefore, it has been classified as a Variant of Uncertain Significance.

GeneReviews
No classification provided. Condition: Epilepsy, familial focal, with variable foci 1. Review status: no classification provided. Collection method: literature only. Allele origin: germline. Affected: yes. Not counted in ClinVar's aggregate classification.

Literature cited by the submitters: PubMed 26505888 (cited by Labcorp Genetics (formerly Invitae), Labcorp and GeneReviews); PubMed 31639411 (cited by Labcorp Genetics (formerly Invitae), Labcorp); NCBI Bookshelf NBK385626 (cited by GeneReviews).

NM_001242896.3(DEPDC5):c.640C>G (p.His214Asp)

Gene: DEPDC5 (DEP domain containing 5, GATOR1 subcomplex subunit; plus strand). Cytogenetic location: 22q12.2.
Variant type: single nucleotide variant.
Coding change: c.640C>G on transcript NM_001242896.3 (MANE Select); coding-DNA position 640, C replaced by G.
Protein change: p.His214Asp; replaces histidine 214 with aspartic acid.
Molecular consequence: missense variant. On other transcripts: non-coding transcript variant (5).
Genome position (GRCh38, 1-based): chr22:31,792,048, C>G. VCF-style: chr22-31792048-C-G. GRCh37 (hg19) VCF-style: chr22-32188034-C-G.
Other names: c.640C>G, p.His214Asp (NM_001007188.4, NM_001136029.4, NM_001242897.2 and 7 more transcripts); c.556C>G, p.His186Asp (NM_001369901.1, NM_001369902.1); short protein forms H214D, H186D.
Identifiers: ClinVar variation 264751 (VCV000264751.5), dbSNP rs886039276, ClinGen allele CA10588030.